The following is an entry in ClinVar:

NM_003632.3(CNTNAP1):c.1417C>T (p.Pro473Ser)

Gene: CNTNAP1 (contactin associated protein 1; plus strand). Cytogenetic location: 17q21.2.
Variant type: single nucleotide variant.
Coding change: c.1417C>T on transcript NM_003632.3 (MANE Select); coding-DNA position 1417, C replaced by T.
Protein change: p.Pro473Ser; replaces proline 473 with serine.
Molecular consequence: missense variant.
Genome position (GRCh38, 1-based): chr17:42,688,572, C>T. VCF-style: chr17-42688572-C-T. GRCh37 (hg19) VCF-style: chr17-40840590-C-T.
Other names: p.Pro473Ser; short protein forms P473S.
Identifiers: ClinVar variation 2683419 (VCV002683419.1), dbSNP rs146616808, ClinGen allele CA8581779.

ClinVar aggregate classification (germline): Uncertain significance (1 of 4 stars; one submission).

gnomAD v4.1: 21 of 1,614,006 alleles (0.0013%); highest among the groups gnomAD compares: East Asian, 0.0022%; no homozygotes.

Submission:

Mayo Clinic Laboratories, Mayo Clinic
Classification: Uncertain significance. Last evaluated: 2023-01-12. Review status: criteria provided, single submitter. Criteria: ACMG Guidelines, 2015. Collection method: clinical testing. Allele origin: germline. Observed: 1 variant allele.
Comment: PM2